The following is an entry in ClinVar:

NM_000465.4(BARD1):c.1673C>T (p.Ser558Leu)

Gene: BARD1 (BRCA1 associated RING domain 1; minus strand). Cytogenetic location: 2q35.
Variant type: single nucleotide variant.
Coding change: c.1673C>T on transcript NM_000465.4 (MANE Select); coding-DNA position 1673, C replaced by T.
Protein change: p.Ser558Leu; replaces serine 558 with leucine.
Molecular consequence: missense variant. On other transcripts: non-coding transcript variant (3), intron variant (1).
Genome position (GRCh38, 1-based): chr2:214,752,451, G>A on the plus strand (C>T on the coding strand, the complement: BARD1 is on the minus strand). VCF-style: chr2-214752451-G-A. GRCh37 (hg19) VCF-style: chr2-215617175-G-A.
Other names: c.1616C>T, p.Ser539Leu (NM_001282543.2); c.320C>T, p.Ser107Leu (NM_001282545.2); c.263C>T, p.Ser88Leu (NM_001282548.2); c.365-21943C>T (NM_001282549.2); short protein forms S107L, S539L, S558L, S88L.
Identifiers: ClinVar variation 819794 (VCV000819794.14), dbSNP rs1416123568, ClinGen allele CA350454515.

ClinVar aggregate classification (germline): Uncertain significance. Review status: criteria provided, multiple submitters, no conflicts (2 of 4 stars). 3 submissions from 3 submitters: Uncertain significance (3). Last evaluated 2024-07-28.

Conditions:
Hereditary cancer-predisposing syndrome. Also called: Neoplastic Syndromes, Hereditary; Tumor predisposition; Hereditary Cancer Syndrome; Hereditary neoplastic syndrome. Identifiers: Orphanet 140162, MedGen C0027672, MeSH D009386, MONDO:0015356.
Familial cancer of breast. Also called: BREAST CANCER, FAMILIAL; Hereditary breast cancer; hereditary breast carcinoma. Identifiers: Orphanet 227535, MedGen C0346153, MONDO:0016419, OMIM 114480. Disease mechanism: loss of function.

Allele frequency attached by ClinVar (database versions not stated): gnomAD exomes below 0.00001.
gnomAD v4.1: 3 of 1,605,486 alleles (0.00019%); highest among the groups gnomAD compares: South Asian, 0.0011%; no homozygotes.

Submissions (3):

Labcorp Genetics (formerly Invitae), Labcorp
Classification: Uncertain significance for Familial cancer of breast. Last evaluated: 2024-07-28. Review status: criteria provided, single submitter. Criteria: Invitae Variant Classification Sherloc (09022015). Collection method: clinical testing. Allele origin: germline.
Comment: This sequence change replaces serine, which is neutral and polar, with leucine, which is neutral and non-polar, at codon 558 of the BARD1 protein (p.Ser558Leu). This variant is present in population databases (no rsID available, gnomAD 0.0009%). This variant has not been reported in the literature in individuals affected with BARD1-related conditions. ClinVar contains an entry for this variant (Variation ID: 819794). An algorithm developed to predict the effect of missense changes on protein structure and function (PolyPhen-2) suggests that this variant¬†is likely to be tolerated. In summary, the available evidence is currently insufficient to determine the role of this variant in disease. Therefore, it has been classified as a Variant of Uncertain Significance.

Ambry Genetics
Classification: Uncertain significance for Hereditary cancer-predisposing syndrome. Last evaluated: 2024-03-06. Review status: criteria provided, single submitter. Criteria: Ambry Variant Classification Scheme 2023. Collection method: clinical testing. Allele origin: germline.
Comment: The p.S558L variant (also known as c.1673C>T), located in coding exon 7 of the BARD1 gene, results from a C to T substitution at nucleotide position 1673. The serine at codon 558 is replaced by leucine, an amino acid with dissimilar properties. This amino acid position is well conserved in available vertebrate species. In addition, this alteration is predicted to be tolerated by in silico analysis. Since supporting evidence is limited at this time, the clinical significance of this alteration remains unclear.

Color Diagnostics, LLC DBA Color Health
Classification: Uncertain significance for Hereditary cancer-predisposing syndrome. Last evaluated: 2024-03-06. Review status: criteria provided, single submitter. Criteria: ACMG Guidelines, 2015. Collection method: clinical testing. Allele origin: germline.
Comment: This missense variant replaces serine with leucine at codon 558 of the BARD1 protein. Computational prediction suggests that this variant may not impact protein structure and function (internally defined REVEL score threshold <= 0.5, PMID: 27666373). To our knowledge, functional studies have not been reported for this variant. This variant has not been reported in individuals affected with hereditary cancer in the literature. This variant has been identified in 1/251292 chromosomes in the general population by the Genome Aggregation Database (gnomAD). The available evidence is insufficient to determine the role of this variant in disease conclusively. Therefore, this variant is classified as a Variant of Uncertain Significance.